The following is an entry in ClinVar:

NM_058179.4(PSAT1):c.432del (p.Asp145fs)

Gene: PSAT1 (phosphoserine aminotransferase 1; plus strand). Cytogenetic location: 9q21.2.
Variant type: Deletion.
Coding change: c.432del on transcript NM_058179.4 (MANE Select); coding-DNA position 432, one base deleted (A; older notation c.432delA).
Protein change: p.Asp145fs; shifts the reading frame from aspartic acid 145.
Molecular consequence: frameshift variant.
Genome position (GRCh38, 1-based): chr9:78,306,348, A deleted. VCF-style (leftmost placement, unchanged base first): chr9-78306347-CA-C. GRCh37 (hg19) VCF-style: chr9-80921263-CA-C.
Other names: c.432del, p.Asp145fs (NM_021154.5); short protein forms D145fs.
Identifiers: ClinVar variation 450376 (VCV000450376.6), dbSNP rs1554686365, ClinGen allele CA658657871.

ClinVar aggregate classification (germline): Pathogenic. Review status: criteria provided, single submitter (1 of 4 stars). 3 submissions from 3 submitters: Pathogenic (1). 2 of the submissions do not count toward it. Last evaluated 2017-07-03.

Conditions:
PSAT deficiency. Identifiers: Orphanet 284417, MedGen C1970253, MONDO:0012596, OMIM 610992.

Submissions (3):

GeneDx
Classification: Pathogenic. Last evaluated: 2017-07-03. Review status: criteria provided, single submitter. Criteria: GeneDx Variant Classification (06012015). Collection method: clinical testing. Allele origin: germline. Affected: yes.
Comment: The c.432delA variant in the PSAT1 gene has not been reported previously as a pathogenic variant nor as a benign variant, to our knowledge. This variant causes a frameshift starting with codon Aspartic acid 145, changes this amino acid to a Methionine residue, and creates a premature Stop codon at position 49 of the new reading frame, denoted p.Asp145MetfsX49. This variant is predicted to cause loss of normal protein function either through protein truncation or nonsense-mediated mRNA decay. The c.432delA variant is not observed in large population cohorts (Lek et al., 2016; 1000 Genomes Consortium et al., 2015; Exome Variant Server). We interpret c.432delA as a pathogenic variant.

OMIM
Classification: Pathogenic for PHOSPHOSERINE AMINOTRANSFERASE DEFICIENCY. Last evaluated: 2020-05-27. Review status: no assertion criteria provided. Collection method: literature only. Allele origin: germline. Not counted in ClinVar's aggregate classification.

Dudley Research Group, Pacific Northwest Research Institute
No classification provided. Review status: no classification provided. Collection method: research, in vivo. Allele origin: unknown, not applicable. Functional consequence: loss_of_function_variant. Not counted in ClinVar's aggregate classification.

Literature cited by the submitters: PubMed 29269105 (cited by OMIM).